The following is an entry in ClinVar:

ClinVar aggregate classification (germline): Uncertain significance. Review status: criteria provided, multiple submitters, no conflicts (2 of 4 stars). 2 submissions from 2 submitters: Uncertain significance (2). Last evaluated 2023-11-27.

Conditions:
Inborn genetic diseases. Identifiers: MedGen C0950123, MeSH D030342.

Allele frequency attached by ClinVar (database versions not stated): gnomAD 0.00001; 1000 Genomes Project 30x 0.00016; 1000 Genomes Project 0.00020.
gnomAD v4.1: 6 of 1,613,870 alleles (0.00037%); highest among the groups gnomAD compares: Middle Eastern, 0.016%; no homozygotes.

Submissions (2):

Labcorp Genetics (formerly Invitae), Labcorp
Classification: Uncertain significance. Last evaluated: 2023-11-27. Review status: criteria provided, single submitter. Criteria: Invitae Variant Classification Sherloc (09022015). Collection method: clinical testing. Allele origin: germline.
Comment: This sequence change replaces valine, which is neutral and non-polar, with leucine, which is neutral and non-polar, at codon 5 of the SLC25A12 protein (p.Val5Leu). This variant is present in population databases (rs201557997, gnomAD 0.02%). This variant has not been reported in the literature in individuals affected with SLC25A12-related conditions. ClinVar contains an entry for this variant (Variation ID: 1433096). Algorithms developed to predict the effect of missense changes on protein structure and function output the following: SIFT: "Not Available"; PolyPhen-2: "Benign"; Align-GVGD: "Not Available". The leucine amino acid residue is found in multiple mammalian species, which suggests that this missense change does not adversely affect protein function. In summary, the available evidence is currently insufficient to determine the role of this variant in disease. Therefore, it has been classified as a Variant of Uncertain Significance.

Ambry Genetics
Classification: Uncertain significance for Inborn genetic diseases. Last evaluated: 2023-09-13. Review status: criteria provided, single submitter. Criteria: Ambry Variant Classification Scheme 2023. Collection method: clinical testing. Allele origin: germline.

NM_003705.5(SLC25A12):c.13G>C (p.Val5Leu)

Gene: SLC25A12 (solute carrier family 25 member 12; minus strand). Cytogenetic location: 2q31.1.
Variant type: single nucleotide variant.
Coding change: c.13G>C on transcript NM_003705.5 (MANE Select); coding-DNA position 13, G replaced by C.
Protein change: p.Val5Leu; replaces valine 5 with leucine.
Molecular consequence: missense variant. On other transcripts: non-coding transcript variant (1).
Genome position (GRCh38, 1-based): chr2:171,893,258, C>G on the plus strand (G>C on the coding strand, the complement: SLC25A12 is on the minus strand). VCF-style: chr2-171893258-C-G. GRCh37 (hg19) VCF-style: chr2-172749768-C-G.
Other names: c.13G>C (NM_003705.3); short protein forms V5L.
Identifiers: ClinVar variation 1433096 (VCV001433096.9), dbSNP rs201557997, ClinGen allele CA1966512.